The following is an entry in ClinVar:

NM_001378454.1(ALMS1):c.110T>G (p.Val37Gly)

Gene: ALMS1 (ALMS1 centrosome and basal body associated protein; plus strand). Cytogenetic location: 2p13.1.
Variant type: single nucleotide variant.
Coding change: c.110T>G on transcript NM_001378454.1 (MANE Select); coding-DNA position 110, T replaced by G.
Protein change: p.Val37Gly; replaces valine 37 with glycine.
Molecular consequence: missense variant.
Genome position (GRCh38, 1-based): chr2:73,385,978, T>G. VCF-style: chr2-73385978-T-G. GRCh37 (hg19) VCF-style: chr2-73613106-T-G.
Other names: c.113T>G, p.Val38Gly (NM_015120.4); short protein forms V37G, V38G.
Identifiers: ClinVar variation 1730924 (VCV001730924.5), dbSNP rs762403314, ClinGen allele CA1712740.
Genomic context (GRCh38, chr2:73,385,978, plus strand): 5'-AGGAGGAGGAGGAGGAGGAGGAGGAAGAGGAGGAGGCTGCAGCGGCGGCGGCGGCGAACG[T>G]GGACGACGTAGTGGTCGTGGAGGAGGTGGAGGAAGAGGCGGGGCGGGAGTTGGACTCCGA-3'
Protein context (NP_001365383.1, residues 27-47): EEAAAAAAAN[Val37Gly]DDVVVVEEVE

ClinVar aggregate classification (germline): Conflicting classifications of pathogenicity. Review status: criteria provided, conflicting classifications (1 of 4 stars). 2 submissions from 2 submitters: Uncertain significance (1); Likely benign (1). Last evaluated 2025-04-03.

Conditions:
Cardiovascular phenotype. Identifiers: MedGen CN230736.
Alstrom syndrome (ALMS). Identifiers: Orphanet 64, MedGen C0268425, MONDO:0008763, OMIM 203800.

Allele frequency attached by ClinVar (database versions not stated): gnomAD exomes below 0.00001; TOPMed below 0.00001; gnomAD 0.00001.
gnomAD v4.1: 3 of 1,541,970 alleles (0.00019%); highest among the groups gnomAD compares: Non-Finnish European, 0.00026%; no homozygotes.

Submissions (2):

Ambry Genetics
Classification: Likely benign for Cardiovascular phenotype. Last evaluated: 2025-04-03. Review status: criteria provided, single submitter. Criteria: Ambry Variant Classification Scheme 2023. Collection method: clinical testing. Allele origin: germline.

Labcorp Genetics (formerly Invitae), Labcorp
Classification: Uncertain significance for Alstrom syndrome. Last evaluated: 2021-08-11. Review status: criteria provided, single submitter. Criteria: Invitae Variant Classification Sherloc (09022015). Collection method: clinical testing. Allele origin: germline.
Comment: This sequence change replaces valine with glycine at codon 38 of the ALMS1 protein (p.Val38Gly). The valine residue is weakly conserved and there is a moderate physicochemical difference between valine and glycine. The frequency data for this variant in the population databases is considered unreliable, as metrics indicate poor data quality at this position in the ExAC database. This variant has not been reported in the literature in individuals affected with ALMS1-related conditions. Experimental studies and prediction algorithms are not available or were not evaluated, and the functional significance of this variant is currently unknown. In summary, the available evidence is currently insufficient to determine the role of this variant in disease. Therefore, it has been classified as a Variant of Uncertain Significance.